The following is an entry in ClinVar:

ClinVar aggregate classification (germline): Uncertain significance (1 of 4 stars; one submission).

Submission:

GeneDx
Classification: Uncertain significance. Last evaluated: 2022-07-11. Review status: criteria provided, single submitter. Criteria: GeneDx Variant Classification Process June 2021. Collection method: clinical testing. Allele origin: germline. Affected: yes.
Comment: Has not been previously published as pathogenic or benign to our knowledge; Not observed at significant frequency in large population cohorts (gnomAD); In silico analysis supports that this missense variant does not alter protein structure/function

NM_001845.6(COL4A1):c.62A>T (p.Glu21Val)

Gene: COL4A1 (collagen type IV alpha 1 chain; minus strand). Cytogenetic location: 13q34.
Variant type: single nucleotide variant.
Coding change: c.62A>T on transcript NM_001845.6 (MANE Select); coding-DNA position 62, A replaced by T.
Protein change: p.Glu21Val; replaces glutamic acid 21 with valine.
Molecular consequence: missense variant.
Genome position (GRCh38, 1-based): chr13:110,306,966, T>A on the plus strand (A>T on the coding strand, the complement: COL4A1 is on the minus strand). VCF-style: chr13-110306966-T-A. GRCh37 (hg19) VCF-style: chr13-110959313-T-A.
Other names: c.62A>T, p.Glu21Val (NM_001303110.2); short protein forms E21V.
Identifiers: ClinVar variation 1693097 (VCV001693097.3), dbSNP rs2139331714, ClinGen allele CA388732543.